The following is an entry in ClinVar:

ClinVar aggregate classification (germline): Uncertain significance (1 of 4 stars; one submission).

Allele frequency attached by ClinVar (database versions not stated): TOPMed 0.00001; ESP Exome Variant Server 0.00008.

Submission:

Labcorp Genetics (formerly Invitae), Labcorp
Classification: Uncertain significance. Last evaluated: 2021-08-07. Review status: criteria provided, single submitter. Criteria: Invitae Variant Classification Sherloc (09022015). Collection method: clinical testing. Allele origin: germline.
Comment: In summary, the available evidence is currently insufficient to determine the role of this variant in disease. Therefore, it has been classified as a Variant of Uncertain Significance. This sequence change replaces threonine with serine at codon 503 of the PRDM5 protein (p.Thr503Ser). The threonine residue is highly conserved and there is a small physicochemical difference between threonine and serine. This variant is not present in population databases (ExAC no frequency). This variant has not been reported in the literature in individuals affected with PRDM5-related conditions. Algorithms developed to predict the effect of missense changes on protein structure and function (SIFT, PolyPhen-2, Align-GVGD) all suggest that this variant is likely to be tolerated.

NM_018699.4(PRDM5):c.1507A>T (p.Thr503Ser)

Gene: PRDM5 (PR/SET domain 5; minus strand). Cytogenetic location: 4q27.
Variant type: single nucleotide variant.
Coding change: c.1507A>T on transcript NM_018699.4 (MANE Select); coding-DNA position 1507, A replaced by T.
Protein change: p.Thr503Ser; replaces threonine 503 with serine.
Molecular consequence: missense variant.
Genome position (GRCh38, 1-based): chr4:120,777,218, T>A on the plus strand (A>T on the coding strand, the complement: PRDM5 is on the minus strand). VCF-style: chr4-120777218-T-A. GRCh37 (hg19) VCF-style: chr4-121698373-T-A.
Other names: c.1414A>T, p.Thr472Ser (NM_001300823.2, NM_001300824.2, NM_001379106.1); c.1540A>T, p.Thr514Ser (NM_001379104.1); short protein forms T472S, T514S, T503S.
Identifiers: ClinVar variation 1373354 (VCV001373354.4), dbSNP rs373140800, ClinGen allele CA105117168.
Genomic context (GRCh38, chr4:120,777,218, plus strand): 5'-TTTTCACTAGTCTAATTACAATCTCCATACCTGTGTGGCTCCGGATATGAACTCTGAGTG[T>A]ACCACTGCTGGCAAATTTCTGGCCACAATATGGACAGATTTTCTCCTTTTCTCCTGTATG-3'
Protein context (NP_061169.2, residues 493-513): YCGQKFASSG[Thr503Ser]LRVHIRSHTG